The following is an entry in ClinVar:

ClinVar aggregate classification (germline): Uncertain significance (1 of 4 stars; one submission).

Submission:

GeneDx
Classification: Uncertain significance. Last evaluated: 2019-07-09. Review status: criteria provided, single submitter. Criteria: GeneDx Variant Classification Process June 2021. Collection method: clinical testing. Allele origin: germline. Affected: yes.
Comment: Not observed in large population cohorts (Lek et al., 2016); In silico analysis, which includes protein predictors and evolutionary conservation, supports that this variant does not alter protein structure/function; Has not been previously published as pathogenic or benign to our knowledge

NM_004606.5(TAF1):c.5420C>T (p.Pro1807Leu)

Gene: TAF1 (TATA-box binding protein associated factor 1; plus strand). Cytogenetic location: Xq13.1.
Variant type: single nucleotide variant.
Coding change: c.5420C>T on transcript NM_004606.5 (MANE Select); coding-DNA position 5420, C replaced by T.
Protein change: p.Pro1807Leu; replaces proline 1807 with leucine.
Molecular consequence: missense variant.
Genome position (GRCh38, 1-based): chrX:71,463,844, C>T. VCF-style: chrX-71463844-C-T. GRCh37 (hg19) VCF-style: chrX-70683694-C-T.
Other names: c.5426C>T, p.Pro1809Leu (NM_001286074.2); c.5357C>T, p.Pro1786Leu (NM_138923.4); short protein forms P1786L, P1807L, P1809L.
Identifiers: ClinVar variation 1306649 (VCV001306649.2), dbSNP rs2148862379, ClinGen allele CA413531549.